The following is an entry in ClinVar:

ClinVar aggregate classification (germline): Uncertain significance (1 of 4 stars; one submission).

Submission:

GeneDx
Classification: Uncertain significance. Last evaluated: 2019-10-18. Review status: criteria provided, single submitter. Criteria: GeneDx Variant Classification Process June 2021. Collection method: clinical testing. Allele origin: germline. Affected: yes.
Comment: Not observed in large population cohorts (Lek et al., 2016); In silico analysis, which includes protein predictors and evolutionary conservation, supports a deleterious effect; Variants in candidate genes are classified as variants of uncertain significance in accordance with ACMG guidelines (Richards et al., 2015); Has not been previously reported as pathogenic or benign in the germ-line in peer-reviewed literature to our knowledge

NM_020791.4(TAOK1):c.1916A>G (p.Asn639Ser)

Gene: TAOK1 (TAO kinase 1; plus strand). Cytogenetic location: 17q11.2.
Variant type: single nucleotide variant.
Coding change: c.1916A>G on transcript NM_020791.4 (MANE Select); coding-DNA position 1916, A replaced by G.
Protein change: p.Asn639Ser; replaces asparagine 639 with serine.
Molecular consequence: missense variant. On other transcripts: intron variant (1).
Genome position (GRCh38, 1-based): chr17:29,522,287, A>G. VCF-style: chr17-29522287-A-G. GRCh37 (hg19) VCF-style: chr17-27849305-A-G.
Other names: c.1705-8120A>G (NM_025142.1); short protein forms N639S.
Identifiers: ClinVar variation 1309094 (VCV001309094.2), dbSNP rs896464037, ClinGen allele CA289192864.